The following is an entry in ClinVar:

NM_000465.4(BARD1):c.987C>A (p.Ser329=)

Gene: BARD1 (BRCA1 associated RING domain 1; minus strand). Cytogenetic location: 2q35.
Variant type: single nucleotide variant.
Coding change: c.987C>A on transcript NM_000465.4 (MANE Select); coding-DNA position 987, C replaced by A.
Protein change: p.Ser329=; no amino-acid change (serine 329 retained).
Molecular consequence: synonymous variant. On other transcripts: non-coding transcript variant (2), intron variant (3).
Genome position (GRCh38, 1-based): chr2:214,780,887, G>T on the plus strand (C>A on the coding strand, the complement: BARD1 is on the minus strand). VCF-style: chr2-214780887-G-T. GRCh37 (hg19) VCF-style: chr2-215645611-G-T.
Other names: c.930C>A, p.Ser310= (NM_001282543.2); c.159-28332C>A (NM_001282548.2); c.215+16174C>A (NM_001282545.2); c.364+11410C>A (NM_001282549.2).
Identifiers: ClinVar variation 3378700 (VCV003378700.1).
Genomic context (GRCh38, chr2:214,780,887, plus strand): 5'-CTTAACAAAATCTCCACTGGTGCTCAGAATGCTGGTTCTACATCTCTTAGAAATGGGACT[G>T]GAAAGTCTATTGTGATGGCCACGTTTTCCATTATTTTCTAATGGCAAAGATTTCTTAGAT-3'
Protein context (NP_000456.2, residues 319-339): NGKRGHHNRL[Ser329=]SPISKRCRTS

ClinVar aggregate classification (germline): Benign (1 of 4 stars; one submission).

Conditions:
Familial cancer of breast. Also called: hereditary breast carcinoma; Hereditary breast cancer; BREAST CANCER, FAMILIAL. Identifiers: Orphanet 227535, MedGen C0346153, MONDO:0016419, OMIM 114480. Disease mechanism: loss of function.

gnomAD v4.1: 1 of 1,614,078 alleles (0.000062%); highest among the groups gnomAD compares: Non-Finnish European, 0.000085%; no homozygotes.

Submission:

Myriad Genetics, Inc.
Classification: Benign for Familial cancer of breast. Last evaluated: 2024-07-23. Review status: criteria provided, single submitter. Criteria: Myriad Autosomal Dominant, Autosomal Recessive and X-Linked Classification Criteria (2023). Collection method: clinical testing. Allele origin: unknown.
Comment: This variant is considered benign. This variant is a silent/synonymous amino acid change and it is not expected to impact splicing.